The following is an entry in ClinVar:

ClinVar aggregate classification (germline): Benign/Likely benign. Review status: criteria provided, multiple submitters, no conflicts (2 of 4 stars). 8 submissions from 8 submitters: Benign (4); Likely benign (1). 3 of the submissions do not count toward it. Last evaluated 2026-02-02.

Conditions:
Microcephaly-capillary malformation syndrome (MICCAP). Identifiers: Orphanet 294016, MedGen C3280296, MONDO:0013659, OMIM 614261.

Allele frequency attached by ClinVar (database versions not stated): gnomAD exomes 0.05408; ExAC 0.05636; ESP Exome Variant Server 0.10157; TOPMed 0.11130; 1000 Genomes Project 0.12480; 1000 Genomes Project 30x 0.12976.
gnomAD v4.1: 56,866 of 1,612,874 alleles (3.5%); highest among the groups gnomAD compares: African/African-American, 27%; 3,548 homozygotes.

Submissions (8):

Labcorp Genetics (formerly Invitae), Labcorp
Classification: Benign. Last evaluated: 2026-02-02. Review status: criteria provided, single submitter. Criteria: Invitae Variant Classification Sherloc (09022015). Collection method: clinical testing. Allele origin: germline.

Blueprint Genetics
Classification: Likely benign. Last evaluated: 2024-11-26. Review status: criteria provided, single submitter. Criteria: ACMG Guidelines, 2015. Collection method: clinical testing. Allele origin: germline.

Genome-Nilou Lab
Classification: Benign for Microcephaly-capillary malformation syndrome. Last evaluated: 2021-07-15. Review status: criteria provided, single submitter. Criteria: ACMG Guidelines, 2015. Collection method: clinical testing. Allele origin: germline. Affected: no.

GeneDx
Classification: Benign. Last evaluated: 2018-07-07. Review status: criteria provided, single submitter. Criteria: GeneDx Variant Classification Process June 2021. Collection method: clinical testing. Allele origin: germline. Affected: yes.

Breakthrough Genomics
Classification: Benign. Review status: criteria provided, single submitter. Criteria: ACMG Guidelines, 2015. Collection method: not provided. Allele origin: germline. Inheritance: Autosomal recessive inheritance. Affected: yes.

Clinical Genetics DNA and cytogenetics Diagnostics Lab, Erasmus MC, Erasmus Medical Center
Classification: Benign. Review status: no assertion criteria provided. Collection method: clinical testing. Allele origin: germline. Affected: yes. Study: VKGL Data-share Consensus. Not counted in ClinVar's aggregate classification.

Clinical Genetics, Academic Medical Center
Classification: Benign. Review status: no assertion criteria provided. Collection method: clinical testing. Allele origin: germline. Affected: yes. Study: VKGL Data-share Consensus. Not counted in ClinVar's aggregate classification.

Genetic Services Laboratory, University of Chicago
Classification: Likely benign. Review status: no assertion criteria provided. Collection method: clinical testing. Allele origin: germline. Inheritance: Autosomal recessive inheritance. Not counted in ClinVar's aggregate classification.
Comment: Likely benign based on allele frequency in 1000 Genomes Project or ESP global frequency and its presence in a patient with a rare or unrelated disease phenotype. NOT Sanger confirmed

NM_213622.4(STAMBP):c.12T>C (p.His4=)

Genes: STAMBP (STAM binding protein; plus strand), LOC126806253 (CDK7 strongly-dependent group 2 enhancer GRCh37_chr2:74057585-74058784; plus strand). Cytogenetic location: 2p13.1.
Variant type: single nucleotide variant.
Coding change: c.12T>C on transcript NM_213622.4 (MANE Select); coding-DNA position 12, T replaced by C.
Protein change: p.His4=; no amino-acid change (histidine 4 retained).
Molecular consequence: synonymous variant. On other transcripts: 5 prime UTR variant (5), non-coding transcript variant (4), intron variant (1).
Genome position (GRCh38, 1-based): chr2:73,830,868, T>C. VCF-style: chr2-73830868-T-C. GRCh37 (hg19) VCF-style: chr2-74057995-T-C.
Other names: c.12T>C, p.His4= (NM_001353967.2, NM_001353968.2, NM_001353969.2 and 3 more transcripts); c.-542T>C (NM_001353971.2, NM_001353973.2, NM_001353974.2 and 2 more transcripts); c.-203+1872T>C (NM_001353972.2).
Identifiers: ClinVar variation 160044 (VCV000160044.21), dbSNP rs919629, ClinGen allele CA173613.